The following is an entry in ClinVar:

NM_000260.4(MYO7A):c.905G>T (p.Arg302Leu)

Gene: MYO7A (myosin VIIA; plus strand). Cytogenetic location: 11q13.5.
Variant type: single nucleotide variant.
Coding change: c.905G>T on transcript NM_000260.4 (MANE Select); coding-DNA position 905, G replaced by T.
Protein change: p.Arg302Leu; replaces arginine 302 with leucine.
Molecular consequence: missense variant.
Genome position (GRCh38, 1-based): chr11:77,158,332, G>T. VCF-style: chr11-77158332-G-T. GRCh37 (hg19) VCF-style: chr11-76869378-G-T.
Other names: c.905G>T, p.Arg302Leu (NM_001127180.2); c.872G>T, p.Arg291Leu (NM_001369365.1); short protein forms R291L, R302L.
Identifiers: ClinVar variation 1397547 (VCV001397547.8), dbSNP rs41298135, ClinGen allele CA6197300.

ClinVar aggregate classification (germline): Uncertain significance (1 of 4 stars; one submission).

gnomAD v4.1: 5 of 1,612,956 alleles (0.00031%); highest among the groups gnomAD compares: Admixed American, 0.0017%; no homozygotes.

Submission:

Labcorp Genetics (formerly Invitae), Labcorp
Classification: Uncertain significance. Last evaluated: 2023-06-16. Review status: criteria provided, single submitter. Criteria: Invitae Variant Classification Sherloc (09022015). Collection method: clinical testing. Allele origin: germline.
Comment: In summary, the available evidence is currently insufficient to determine the role of this variant in disease. Therefore, it has been classified as a Variant of Uncertain Significance. Advanced modeling of protein sequence and biophysical properties (such as structural, functional, and spatial information, amino acid conservation, physicochemical variation, residue mobility, and thermodynamic stability) performed at Invitae indicates that this missense variant is not expected to disrupt MYO7A protein function. ClinVar contains an entry for this variant (Variation ID: 1397547). This variant has not been reported in the literature in individuals affected with MYO7A-related conditions. The frequency data for this variant in the population databases is considered unreliable, as metrics indicate poor data quality at this position in the gnomAD database. This sequence change replaces arginine, which is basic and polar, with leucine, which is neutral and non-polar, at codon 302 of the MYO7A protein (p.Arg302Leu).